The following is an entry in ClinVar:

ClinVar aggregate classification (germline): Likely benign (0 of 4 stars; one submission).

Conditions:
SBF1-related disorder. Also called: SBF1-related condition.

Allele frequency attached by ClinVar (database versions not stated): ExAC 0.00001; gnomAD exomes 0.00001; 1000 Genomes Project 30x 0.00016; 1000 Genomes Project 0.00020.
gnomAD v4.1: 6 of 1,611,590 alleles (0.00037%); highest among the groups gnomAD compares: South Asian, 0.0044%; no homozygotes.

Submission:

PreventionGenetics, part of Exact Sciences
Classification: Likely benign for SBF1-related condition. Last evaluated: 2019-04-04. Review status: no assertion criteria provided. Collection method: clinical testing. Allele origin: germline.
Comment: This variant is classified as likely benign based on ACMG/AMP sequence variant interpretation guidelines (Richards et al. 2015 PMID: 25741868, with internal and published modifications).

NM_002972.4(SBF1):c.4998C>T (p.Asp1666=)

Gene: SBF1 (SET binding factor 1; minus strand). Cytogenetic location: 22q13.33.
Variant type: single nucleotide variant.
Coding change: c.4998C>T on transcript NM_002972.4 (MANE Select); coding-DNA position 4998, C replaced by T.
Protein change: p.Asp1666=; no amino-acid change (aspartic acid 1666 retained).
Molecular consequence: synonymous variant.
Genome position (GRCh38, 1-based): chr22:50,454,557, G>A on the plus strand (C>T on the coding strand, the complement: SBF1 is on the minus strand). VCF-style: chr22-50454557-G-A. GRCh37 (hg19) VCF-style: chr22-50892986-G-A.
Other names: c.4923C>T, p.Asp1641= (NM_001365819.1); c.5001C>T, p.Asp1667= (NM_001410794.1); c.4920C>T, p.Asp1640= (NM_001410795.1); c.4998C>T, p.Asp1666= (NM_197971.1).
Identifiers: ClinVar variation 3046494 (VCV003046494.2), dbSNP rs546749276, ClinGen allele CA10316052.